The following is an entry in ClinVar:

NM_001079668.3(NKX2-1):c.583dup (p.Arg195fs)

Genes: NKX2-1 (NK2 homeobox 1; minus strand), SFTA3 (surfactant associated 3; minus strand). Cytogenetic location: 14q13.3.
Variant type: Duplication.
Coding change: c.583dup on transcript NM_001079668.3 (MANE Select); coding-DNA position 583, one base duplicated (C; older notation c.583dupC).
Protein change: p.Arg195fs; shifts the reading frame from arginine 195.
Molecular consequence: frameshift variant.
Genome position (GRCh38, 1-based): chr14:36,517,901, G duplicated on the plus strand (C on the coding strand, the reverse complement: NKX2-1 is on the minus strand); the first of 2 consecutive G bases (chr14:36,517,901-36,517,902); duplicating either gives the same sequence. VCF-style (leftmost placement, unchanged base first): chr14-36517900-C-CG. GRCh37 (hg19) VCF-style: chr14-36987105-C-CG.
Other names: c.493dup, p.Arg165fs (NM_003317.4); short protein forms R165fs, R195fs.
Identifiers: ClinVar variation 4997382 (VCV004997382.1).

ClinVar aggregate classification (germline): Pathogenic (1 of 4 stars; one submission).

Conditions:
NKX2-1-Related Disorders. Also called: NKX2-1-related disorder. Identifiers: MedGen CN381057.

Submission:

PreventionGenetics, part of Exact Sciences
Classification: Pathogenic for NKX2-1-related condition. Last evaluated: 2024-12-11. Review status: criteria provided, single submitter. Criteria: ACMG Guidelines, 2015. Collection method: clinical testing. Allele origin: germline.
Comment: The NKX2-1 c.583dupC variant is predicted to result in a frameshift and premature protein termination (p.Arg195Profs*244). To our knowledge, this variant has not been reported in the literature or in a large population database (gnomAD), indicating this variant is rare. Different frameshift changes affecting this position, have been reported in individuals with brain-lung-thyroid syndrome [c.583delC (p.Arg195fs*32) but described as (p.Arg165Glyfs*32) by Nettore et al. 2013. PubMed ID: 23379327, and c.585insGG (p.Leu195Glyfs*3) by Krude et al. 2002. PMID: 11854319). Frameshift variants in NKX2-1 are expected to be pathogenic. This variant is interpreted as pathogenic.